The following is an entry in ClinVar:

NM_001039141.3(TRIOBP):c.4484A>T (p.Glu1495Val)

Gene: TRIOBP (TRIO and F-actin binding protein; plus strand). Cytogenetic location: 22q13.1.
Variant type: single nucleotide variant.
Coding change: c.4484A>T on transcript NM_001039141.3 (MANE Select); coding-DNA position 4484, A replaced by T.
Protein change: p.Glu1495Val; replaces glutamic acid 1495 with valine.
Molecular consequence: missense variant.
Genome position (GRCh38, 1-based): chr22:37,734,820, A>T. VCF-style: chr22-37734820-A-T. GRCh37 (hg19) VCF-style: chr22-38130827-A-T.
Other names: short protein forms E1495V.
Identifiers: ClinVar variation 504689 (VCV000504689.18), dbSNP rs183455182, ClinGen allele CA10224392.
Genomic context (GRCh38, chr22:37,734,820, plus strand): 5'-GAGCATGGGGGGGCACTTCCAGGGAGTACAAGGAGAGCTGGGGGCAGCCAGAGGCCTGGG[A>T]GGAGAAGCCCACTCATGAGCTCCCCAGAGAACTAGGAAAGAGAAGCCCACTCACGAGCCC-3'
Protein context (NP_001034230.1, residues 1485-1505): KESWGQPEAW[Glu1495Val]EKPTHELPRE

ClinVar aggregate classification (germline): Benign/Likely benign. Review status: criteria provided, multiple submitters, no conflicts (2 of 4 stars). 5 submissions from 5 submitters: Benign (3); Likely benign (2). Last evaluated 2026-06-01.

Allele frequency attached by ClinVar (database versions not stated): gnomAD 0.00026 and 0.00044; gnomAD exomes 0.00045 and 0.00090; TOPMed 0.00054; ExAC 0.00083; 1000 Genomes Project 0.00180; 1000 Genomes Project 30x 0.00219.
gnomAD v4.1: 729 of 1,612,506 alleles (0.045%); highest among the groups gnomAD compares: East Asian, 1.3%; 9 homozygotes.

Submissions (5):

CeGaT Center for Human Genetics Tuebingen
Classification: Likely benign. Last evaluated: 2026-06-01. Review status: criteria provided, single submitter. Criteria: CeGaT Center For Human Genetics Tuebingen Variant Classification Criteria Version 2. Collection method: clinical testing. Allele origin: germline. Affected: yes. Observed: 1 variant allele.
Comment: TRIOBP: BP4, BS1

Labcorp Genetics (formerly Invitae), Labcorp
Classification: Benign. Last evaluated: 2025-10-26. Review status: criteria provided, single submitter. Criteria: Invitae Variant Classification Sherloc (09022015). Collection method: clinical testing. Allele origin: germline.

Blueprint Genetics
Classification: Likely benign. Last evaluated: 2024-09-05. Review status: criteria provided, single submitter. Criteria: ACMG Guidelines, 2015. Collection method: clinical testing. Allele origin: germline.

GeneDx
Classification: Benign. Last evaluated: 2018-06-04. Review status: criteria provided, single submitter. Criteria: GeneDx Variant Classification (06012015). Collection method: clinical testing. Allele origin: germline. Affected: yes.
Comment: This variant is considered likely benign or benign based on one or more of the following criteria: it is a conservative change, it occurs at a poorly conserved position in the protein, it is predicted to be benign by multiple in silico algorithms, and/or has population frequency not consistent with disease.

Laboratory for Molecular Medicine, Mass General Brigham Personalized Medicine
Classification: Benign. Last evaluated: 2016-05-21. Review status: criteria provided, single submitter. Criteria: LMM Criteria. Collection method: clinical testing. Allele origin: germline. Observed: 1 variant allele.
Comment: p.Glu1495Val in exon 9 of TRIOBP: This variant is not expected to have clinical significance because it has been identified in 1% (84/8212) of East Asian chromo somes by the Exome Aggregation Consortium (ExAC; dbSNP rs183455182).